The following is an entry in ClinVar:

ClinVar aggregate classification (germline): Likely benign (1 of 4 stars; one submission).

gnomAD v4.1: 160 of 1,208,383 alleles (0.013%); highest among the groups gnomAD compares: Non-Finnish European, 0.017%; no homozygotes.

Submission:

CeGaT Center for Human Genetics Tuebingen
Classification: Likely benign. Last evaluated: 2026-09-01. Review status: criteria provided, single submitter. Criteria: CeGaT Center For Human Genetics Tuebingen Variant Classification Criteria Version 2. Collection method: clinical testing. Allele origin: germline. Affected: yes. Observed: 1 variant allele.
Comment: RPL10: BS2

NM_006013.5(RPL10):c.*49C>G

Gene: RPL10 (ribosomal protein L10; plus strand). Cytogenetic location: Xq28.
Variant type: single nucleotide variant.
Coding change: c.*49C>G on transcript NM_006013.5 (MANE Select); 49 bases downstream of the stop codon, C replaced by G.
Molecular consequence: 3 prime UTR variant. On other transcripts: nonsense (1).
Genome position (GRCh38, 1-based): chrX:154,400,903, C>G. VCF-style: chrX-154400903-C-G. GRCh37 (hg19) VCF-style: chrX-153629244-C-G.
Other names: c.531C>G, p.Tyr177Ter (NM_001256577.2); c.*49C>G (NM_001256580.2, NM_001303624.2, NM_001303625.1); c.*245C>G (NM_001303626.1); short protein forms Y177*.
Identifiers: ClinVar variation 5038877 (VCV005038877.1).